The following is an entry in ClinVar:

ClinVar aggregate classification (germline): Pathogenic. Review status: criteria provided, multiple submitters, no conflicts (2 of 4 stars). 2 submissions from 2 submitters: Pathogenic (2). Last evaluated 2025-05-27.

Conditions:
Hypercalcemia, infantile, 1 (HCINF1). Identifiers: Orphanet 300547, MedGen CN031131, MONDO:0020739, OMIM 143880.

Submissions (2):

Women's Health and Genetics/Laboratory Corporation of America, LabCorp
Classification: Pathogenic for Hypercalcemia, infantile, 1. Last evaluated: 2025-05-27. Review status: criteria provided, single submitter. Criteria: LabCorp Variant Classification Summary - May 2015. Collection method: clinical testing. Allele origin: germline.
Comment: Variant summary: CYP24A1 c.999_1006delCAGTCTAA (p.Ser334ValfsX9) results in a premature termination codon, predicted to cause a truncation of the encoded protein or absence of the protein due to nonsense mediated decay, which are commonly known mechanisms for disease. The variant allele was found at a frequency of 7.6e-05 in 251442 control chromosomes. This frequency is not significantly higher than estimated for a pathogenic variant in CYP24A1 causing Hypercalcemia, Infantile, 1, allowing no conclusion about variant significance. c.999_1006delCAGTCTAA has been observed in the homozygous state in at least 1 individual(s) affected with Hypercalcemia, Infantile, 1 (example, Woods_2016). These report(s) do not provide unequivocal conclusions about association of the variant with Hypercalcemia, Infantile, 1. To our knowledge, no experimental evidence demonstrating an impact on protein function has been reported. The following publication has been ascertained in the context of this evaluation (PMID: 27105398). ClinVar contains an entry for this variant (Variation ID: 1460149). Based on the evidence outlined above, the variant was classified as pathogenic.

Labcorp Genetics (formerly Invitae), Labcorp
Classification: Pathogenic. Last evaluated: 2025-01-03. Review status: criteria provided, single submitter. Criteria: Invitae Variant Classification Sherloc (09022015). Collection method: clinical testing. Allele origin: germline.
Comment: This sequence change creates a premature translational stop signal (p.Ser334Valfs*9) in the CYP24A1 gene. It is expected to result in an absent or disrupted protein product. Loss-of-function variants in CYP24A1 are known to be pathogenic (PMID: 21675912). This variant is present in population databases (rs770055617, gnomAD 0.02%). This premature translational stop signal has been observed in individual(s) with gestational hypercalcemia and pancreatitis (PMID: 27105398, 27295538). ClinVar contains an entry for this variant (Variation ID: 1460149). For these reasons, this variant has been classified as Pathogenic.

Literature cited by the submitters: PubMed 27105398 (cited by Women's Health and Genetics/Laboratory Corporation of America, LabCorp and Labcorp Genetics (formerly Invitae), Labcorp); PubMed 21675912 (cited by Labcorp Genetics (formerly Invitae), Labcorp); PubMed 27295538 (cited by Labcorp Genetics (formerly Invitae), Labcorp).

NM_000782.5(CYP24A1):c.999_1006del (p.Ser334fs)

Gene: CYP24A1 (cytochrome P450 family 24 subfamily A member 1; minus strand). Cytogenetic location: 20q13.2.
Variant type: Deletion.
Coding change: c.999_1006del on transcript NM_000782.5 (MANE Select); coding-DNA positions 999 to 1006, 8 bases deleted (CAGTCTAA; older notation c.999_1006delCAGTCTAA).
Protein change: p.Ser334fs; shifts the reading frame from serine 334.
Molecular consequence: frameshift variant.
Genome position (GRCh38, 1-based): chr20:54,159,108-54,159,115, TTAGACTG deleted on the plus strand (CAGTCTAA on the coding strand, the reverse complement: CYP24A1 is on the minus strand); deleting any 8 consecutive bases within chr20:54,159,108-54,159,117 gives the same sequence; the c. name uses the placement nearest the transcript's 3' end. VCF-style (leftmost placement, unchanged base first): chr20-54159107-ATTAGACTG-A. GRCh37 (hg19) VCF-style: chr20-52775646-ATTAGACTG-A.
Other names: c.999_1006del, p.Ser334fs (NM_001128915.2); c.999_1006delCAGTCTAA (NM_000782.5); short protein forms S334fs.
Identifiers: ClinVar variation 1460149 (VCV001460149.8), dbSNP rs770055617, ClinGen allele CA9915918.